The following is an entry in ClinVar:

ClinVar aggregate classification (germline): Likely benign (1 of 4 stars; one submission).

Conditions:
Papillary renal cell carcinoma type 1 (RCCP1). Also called: Renal adenocarcinoma; Renal cell carcinoma 1; Renal cell carcinoma, somatic; RENAL CELL CARCINOMA, PAPILLARY, 1, SOMATIC. Identifiers: Orphanet 47044, MedGen C1336839, OMIM 605074, HP:0011797.

Submission:

Myriad Genetics, Inc.
Classification: Likely benign for Papillary renal cell carcinoma type 1. Last evaluated: 2024-11-11. Review status: criteria provided, single submitter. Criteria: Myriad Autosomal Dominant, Autosomal Recessive and X-Linked Classification Criteria (2023). Collection method: clinical testing. Allele origin: unknown.
Comment: This variant is considered likely benign. This variant is intronic and is not expected to impact mRNA splicing.

NM_000245.4(MET):c.2265-10del

Gene: MET (MET proto-oncogene, receptor tyrosine kinase; plus strand). Cytogenetic location: 7q31.2.
Variant type: Deletion.
Coding change: c.2265-10del on transcript NM_000245.4 (MANE Select); 10 bases into the intron before coding-DNA position 2265, one base deleted (G; older notation c.2265-10delG).
Molecular consequence: intron variant. On other transcripts: frameshift variant (1).
Genome position (GRCh38, 1-based): chr7:116,759,381, G deleted. VCF-style (leftmost placement, unchanged base first): chr7-116759380-TG-T. GRCh37 (hg19) VCF-style: chr7-116399434-TG-T.
Other names: c.2309del, p.Cys770fs (NM_001127500.3); c.975-10del (NM_001324402.2); c.2265-10del (NM_001324401.3); short protein forms C770fs.
Identifiers: ClinVar variation 3773390 (VCV003773390.1).